The following is an entry in ClinVar:

NM_000051.4(ATM):c.5999G>C (p.Ser2000Thr)

Genes: ATM (ATM serine/threonine kinase; plus strand), C11orf65 (chromosome 11 open reading frame 65; minus strand). Cytogenetic location: 11q22.3.
Variant type: single nucleotide variant.
Coding change: c.5999G>C on transcript NM_000051.4 (MANE Select); coding-DNA position 5999, G replaced by C.
Protein change: p.Ser2000Thr; replaces serine 2000 with threonine.
Molecular consequence: missense variant. On other transcripts: intron variant (2).
Genome position (GRCh38, 1-based): chr11:108,312,491, G>C. VCF-style: chr11-108312491-G-C. GRCh37 (hg19) VCF-style: chr11-108183218-G-C.
Other names: c.5999G>C, p.Ser2000Thr (NM_001351834.2); c.641-3420C>G (NM_001330368.2); c.*39-3420C>G (NM_001351110.2); short protein forms S2000T.
Identifiers: ClinVar variation 3720464 (VCV003720464.2).
Genomic context (GRCh38, chr11:108,312,491, plus strand): 5'-GAAGCCAGAGTACAACTATTTCTAGCTTGAGTGAAAAAAGTAAAGAAGAAACTGGAATAA[G>C]TTTACAGGTAAATATTAGAGGCTCTATTATTTATGACAGTATTTATCTCATACTTTGGGT-3'
Protein context (NP_000042.3, residues 1990-2010): SEKSKEETGI[Ser2000Thr]LQDLLLEIYR

ClinVar aggregate classification (germline): Uncertain significance (1 of 4 stars; one submission).

Conditions:
Ataxia-telangiectasia syndrome (AT). Also called: Ataxia-telangiectasia, complementation group D; AT, COMPLEMENTATION GROUP C; ATAXIA-TELANGIECTASIA, COMPLEMENTATION GROUP A; ATAXIA-TELANGIECTASIA, FRESNO VARIANT; Ataxia-telangiectasia; Ataxia-telangiectasia, complementation group E. Identifiers: Orphanet 100, MedGen C0004135, MONDO:0008840, OMIM 208900.

Submission:

Labcorp Genetics (formerly Invitae), Labcorp
Classification: Uncertain significance for Ataxia-telangiectasia syndrome. Last evaluated: 2024-11-27. Review status: criteria provided, single submitter. Criteria: Invitae Variant Classification Sherloc (09022015). Collection method: clinical testing. Allele origin: germline.
Comment: This sequence change replaces serine, which is neutral and polar, with threonine, which is neutral and polar, at codon 2000 of the ATM protein (p.Ser2000Thr). This variant is not present in population databases (gnomAD no frequency). This variant has not been reported in the literature in individuals affected with ATM-related conditions. Invitae Evidence Modeling of protein sequence and biophysical properties (such as structural, functional, and spatial information, amino acid conservation, physicochemical variation, residue mobility, and thermodynamic stability) indicates that this missense variant is not expected to disrupt ATM protein function with a negative predictive value of 95%. In summary, the available evidence is currently insufficient to determine the role of this variant in disease. Therefore, it has been classified as a Variant of Uncertain Significance.